The following is an entry in ClinVar:

NM_016239.4(MYO15A):c.8971C>T (p.Pro2991Ser)

Gene: MYO15A (myosin XVA; plus strand). Cytogenetic location: 17p11.2.
Variant type: single nucleotide variant.
Coding change: c.8971C>T on transcript NM_016239.4 (MANE Select); coding-DNA position 8971, C replaced by T.
Protein change: p.Pro2991Ser; replaces proline 2991 with serine.
Molecular consequence: missense variant.
Genome position (GRCh38, 1-based): chr17:18,158,526, C>T. VCF-style: chr17-18158526-C-T. GRCh37 (hg19) VCF-style: chr17-18061840-C-T.
Other names: short protein forms P2991S.
Identifiers: ClinVar variation 1214906 (VCV001214906.3), dbSNP rs772247028, ClinGen allele CA398632166.

ClinVar aggregate classification (germline): Uncertain significance (1 of 4 stars; one submission).

Allele frequency attached by ClinVar (database versions not stated): TOPMed below 0.00001.
gnomAD v4.1: 4 of 1,613,960 alleles (0.00025%); highest among the groups gnomAD compares: Admixed American, 0.0033%; no homozygotes.

Submission:

GeneDx
Classification: Uncertain significance. Last evaluated: 2021-06-29. Review status: criteria provided, single submitter. Criteria: GeneDx Variant Classification Process June 2021. Collection method: clinical testing. Allele origin: germline. Affected: yes.
Comment: Not observed at significant frequency in large population cohorts (Lek et al., 2016); In silico analysis supports that this missense variant does not alter protein structure/function; Has not been previously published as pathogenic or benign to our knowledge; This variant is associated with the following publications: (PMID: 27535533)